The following is an entry in ClinVar:

NM_004064.5(CDKN1B):c.359G>A (p.Gly120Glu)

Gene: CDKN1B (cyclin dependent kinase inhibitor 1B; plus strand). Cytogenetic location: 12p13.1.
Variant type: single nucleotide variant.
Coding change: c.359G>A on transcript NM_004064.5 (MANE Select); coding-DNA position 359, G replaced by A.
Protein change: p.Gly120Glu; replaces glycine 120 with glutamic acid.
Molecular consequence: missense variant.
Genome position (GRCh38, 1-based): chr12:12,718,198, G>A. VCF-style: chr12-12718198-G-A. GRCh37 (hg19) VCF-style: chr12-12871132-G-A.
Other names: short protein forms G120E.
Identifiers: ClinVar variation 536835 (VCV000536835.14), dbSNP rs1555085598, ClinGen allele CA383970394.
Genomic context (GRCh38, chr12:12,718,198, plus strand): 5'-AGGTGCCGGCGCAGGAGAGCCAGGATGTCAGCGGGAGCCGCCCGGCGGCGCCTTTAATTG[G>A]GGCTCCGGCTAACTCTGAGGACACGCATTTGGTGGACCCAAAGACTGATCCGTCGGACAG-3'
Protein context (NP_004055.1, residues 110-130): SGSRPAAPLI[Gly120Glu]APANSEDTHL

ClinVar aggregate classification (germline): Uncertain significance. Review status: criteria provided, multiple submitters, no conflicts (2 of 4 stars). 2 submissions from 2 submitters: Uncertain significance (2). Last evaluated 2025-12-24.

Conditions:
Hereditary cancer-predisposing syndrome. Also called: Neoplastic Syndromes, Hereditary; Tumor predisposition; Hereditary Cancer Syndrome; Hereditary neoplastic syndrome. Identifiers: Orphanet 140162, MedGen C0027672, MeSH D009386, MONDO:0015356.
Multiple endocrine neoplasia type 4. Also called: MULTIPLE ENDOCRINE NEOPLASIA, TYPE IV. Identifiers: Orphanet 276152, MedGen C1970712, MONDO:0012552, OMIM 610755.

Allele frequency attached by ClinVar (database versions not stated): gnomAD 0.00001; gnomAD exomes 0.00001.

Submissions (2):

Labcorp Genetics (formerly Invitae), Labcorp
Classification: Uncertain significance for Multiple endocrine neoplasia type 4. Last evaluated: 2025-12-24. Review status: criteria provided, single submitter. Criteria: Invitae Variant Classification Sherloc (09022015). Collection method: clinical testing. Allele origin: germline.
Comment: This sequence change replaces glycine, which is neutral and non-polar, with glutamic acid, which is acidic and polar, at codon 120 of the CDKN1B protein (p.Gly120Glu). This variant is not present in population databases (gnomAD no frequency). This variant has not been reported in the literature in individuals affected with CDKN1B-related conditions. ClinVar contains an entry for this variant (Variation ID: 536835). An algorithm developed to predict the effect of missense changes on protein structure and function (PolyPhen-2) suggests that this variant is likely to be tolerated. In summary, the available evidence is currently insufficient to determine the role of this variant in disease. Therefore, it has been classified as a Variant of Uncertain Significance.

Ambry Genetics
Classification: Uncertain significance for Hereditary cancer-predisposing syndrome. Last evaluated: 2024-04-27. Review status: criteria provided, single submitter. Criteria: Ambry Variant Classification Scheme 2023. Collection method: clinical testing. Allele origin: germline.
Comment: The p.G120E variant (also known as c.359G>A), located in coding exon 1 of the CDKN1B gene, results from a G to A substitution at nucleotide position 359. The glycine at codon 120 is replaced by glutamic acid, an amino acid with similar properties. This amino acid position is not well conserved in available vertebrate species. In addition, this alteration is predicted to be tolerated by in silico analysis. Since supporting evidence is limited at this time, the clinical significance of this alteration remains unclear.